The following is an entry in ClinVar:

NM_017617.5(NOTCH1):c.4141C>T (p.Pro1381Ser)

Gene: NOTCH1 (notch receptor 1; minus strand). Cytogenetic location: 9q34.3.
Variant type: single nucleotide variant.
Coding change: c.4141C>T on transcript NM_017617.5 (MANE Select); coding-DNA position 4141, C replaced by T.
Protein change: p.Pro1381Ser; replaces proline 1381 with serine.
Molecular consequence: missense variant.
Genome position (GRCh38, 1-based): chr9:136,505,755, G>A on the plus strand (C>T on the coding strand, the complement: NOTCH1 is on the minus strand). VCF-style: chr9-136505755-G-A. GRCh37 (hg19) VCF-style: chr9-139400207-G-A.
Other names: c.4141C>T, p.Pro1381Ser (LRG_1122t1); short protein forms P1381S.
Identifiers: ClinVar variation 654646 (VCV000654646.8), dbSNP rs1589058950, ClinGen allele CA375649590.

ClinVar aggregate classification (germline): Uncertain significance (1 of 4 stars; one submission).

Conditions:
Adams-Oliver syndrome 5 (AOS5). Identifiers: Orphanet 974, MedGen C4014970, MONDO:0014459, OMIM 616028.

Submission:

Labcorp Genetics (formerly Invitae), Labcorp
Classification: Uncertain significance for Adams-Oliver syndrome 5. Last evaluated: 2018-08-25. Review status: criteria provided, single submitter. Criteria: Invitae Variant Classification Sherloc (09022015). Collection method: clinical testing. Allele origin: germline.
Comment: In summary, the available evidence is currently insufficient to determine the role of this variant in disease. Therefore, it has been classified as a Variant of Uncertain Significance. Algorithms developed to predict the effect of missense changes on protein structure and function are either unavailable or do not agree on the potential impact of this missense change (SIFT: "Deleterious"; PolyPhen-2: "Benign"; Align-GVGD: "Class C25"). This variant has not been reported in the literature in individuals with NOTCH1-related disease. This variant is not present in population databases (ExAC no frequency). This sequence change replaces proline with serine at codon 1381 of the NOTCH1 protein (p.Pro1381Ser). The proline residue is highly conserved and there is a moderate physicochemical difference between proline and serine.